The following is an entry in ClinVar:

ClinVar aggregate classification (germline): Pathogenic (1 of 4 stars; one submission).

Submission:

Clinical Genomics Laboratory, Laboratory for Precision Diagnostics, University of Washington
Classification: Pathogenic. Last evaluated: 2022-10-05. Review status: criteria provided, single submitter. Criteria: ACMG/ClinGen CNV Guidelines, 2019. Collection method: clinical testing. Allele origin: unknown. Affected: yes. Observed: 1 variant allele.
Comment: This interstitial deletion is approximately 2.9 Mb in size and contains 14 protein-coding genes, including PAX9, PSMA6, NFKBIA, RALGAPA1, and NKX2-1. Deletions of 14q13 have been reported in several people with holoprosencephaly, including variants or microforms of holoprosencephaly (PMID: 15820313, PMID: 20066439). Although the specific gene responsible for holoprosencephaly in this region has not been determined, the smallest region of overlap amongst these patients includes some of the genes deleted in this fetus. Heterozygous loss of function variants in NKX2-1 are associated with choreoathetosis and congenital hypothyroidism with pulmonary dysfunction (OMIM 610978). Heterozygous loss of function variants of PAX9 cause dental agenesis (OMIM 604625). Several models predict that PSMA6, NKFBIA, and RALGAPA1 are all haploinsufficient genes.

Literature cited by the submitters: PubMed 15820313; PubMed 20066439.

GRCh38/hg38 14q13.2-21.1(chr14:35155625-38087996)x1

Genes: BRMS1L (BRMS1 like transcriptional repressor; plus strand), FOXA1 (forkhead box A1; minus strand), INSM2 (INSM transcriptional repressor 2; plus strand), LINC00517 (long intergenic non-protein coding RNA 517; minus strand), LINC00609 (long intergenic non-protein coding RNA 609; plus strand) and 61 more. Cytogenetic location: 14q13.2-21.1.
Variant type: copy number loss.
Change: copy number 1 (one copy instead of two) of chr14:35,155,625-38,087,996 (2.93 Mb, GRCh38 coordinates, 1-based), cytogenetic band 14q13.2-21.1.
Identifiers: ClinVar variation 4852060 (VCV004852060.1).